The following is an entry in ClinVar:

ClinVar aggregate classification (germline): Benign (1 of 4 stars; one submission).

Allele frequency attached by ClinVar (database versions not stated): gnomAD 0.09018 and 0.09437; 1000 Genomes Project 0.09907; 1000 Genomes Project 30x 0.10219; TOPMed 0.10332.
gnomAD v4.1: 9,878 of 109,963 alleles (9%); highest among the groups gnomAD compares: African/African-American, 24%; 705 homozygotes.

Submission:

GeneDx
Classification: Benign. Last evaluated: 2018-06-14. Review status: criteria provided, single submitter. Criteria: GeneDx Variant Classification (06012015). Collection method: clinical testing. Allele origin: germline. Affected: yes.
Comment: This variant is considered likely benign or benign based on one or more of the following criteria: it is a conservative change, it occurs at a poorly conserved position in the protein, it is predicted to be benign by multiple in silico algorithms, and/or has population frequency not consistent with disease.

NM_004006.3(DMD):c.6614+3585T>A

Gene: DMD (dystrophin; minus strand). Cytogenetic location: Xp21.1.
Variant type: single nucleotide variant.
Coding change: c.6614+3585T>A on transcript NM_004006.3 (MANE Select); 3585 bases into the intron after coding-DNA position 6614, T replaced by A.
Molecular consequence: intron variant.
Genome position (GRCh38, 1-based): chrX:31,964,754, A>T on the plus strand (T>A on the coding strand, the complement: DMD is on the minus strand). VCF-style: chrX-31964754-A-T. GRCh37 (hg19) VCF-style: chrX-31982871-A-T.
Other names: c.6590+3585T>A (NM_000109.4); c.2591+3585T>A (NM_004011.4); c.2582+3585T>A (NM_004012.4); c.-767+3585T>A (NM_004023.3, NM_004020.4, NM_004022.3 and 2 more transcripts); c.6602+3585T>A (NM_004009.3); c.6245+3585T>A (NM_004010.3).
Identifiers: ClinVar variation 680953 (VCV000680953.1), dbSNP rs113540726, ClinGen allele CA328490377.